The following is an entry in ClinVar:

NM_006440.5(TXNRD2):c.662+1G>A

Gene: TXNRD2 (thioredoxin reductase 2; minus strand). Cytogenetic location: 22q11.21.
Variant type: single nucleotide variant.
Coding change: c.662+1G>A on transcript NM_006440.5 (MANE Select); the canonical splice donor site of the intron after coding-DNA position 662, G replaced by A.
Molecular consequence: splice donor variant.
Genome position (GRCh38, 1-based): chr22:19,911,376, C>T on the plus strand (G>A on the coding strand, the complement: TXNRD2 is on the minus strand). VCF-style: chr22-19911376-C-T. GRCh37 (hg19) VCF-style: chr22-19898899-C-T.
Other names: c.662+1G>A (NM_006440.3, NM_001282512.3); c.659+1G>A (NM_001352300.2); c.374+1G>A (NM_001352302.2); c.572+1G>A (NM_001352301.2); c.566+1G>A (NM_001352303.2).
Identifiers: ClinVar variation 572124 (VCV000572124.8), dbSNP rs1317400468, ClinGen allele CA410691057.

ClinVar aggregate classification (germline): Uncertain significance. Review status: criteria provided, multiple submitters, no conflicts (2 of 4 stars). 2 submissions from 2 submitters: Uncertain significance (2). Last evaluated 2025-07-07.

Conditions:
Cardiovascular phenotype. Identifiers: MedGen CN230736.
Primary dilated cardiomyopathy (DCM). Also called: Dilated Cardiomyopathy. Identifiers: Orphanet 217604, MedGen C0007193, MeSH D002311, MONDO:0005021, HP:0001644. Inheritance: Various modes of inheritance.

Allele frequency attached by ClinVar (database versions not stated): gnomAD 0.00001; TOPMed 0.00001.

Submissions (2):

Labcorp Genetics (formerly Invitae), Labcorp
Classification: Uncertain significance for Primary dilated cardiomyopathy. Last evaluated: 2025-07-07. Review status: criteria provided, single submitter. Criteria: Invitae Variant Classification Sherloc (09022015). Collection method: clinical testing. Allele origin: germline.
Comment: This sequence change affects a donor splice site in intron 8 of the TXNRD2 gene. It is expected to disrupt RNA splicing. Variants that disrupt the donor or acceptor splice site typically lead to a loss of protein function (PMID: 16199547), however the current clinical and genetic evidence is not sufficient to establish whether loss-of-function variants in TXNRD2 cause disease. This variant is not present in population databases (gnomAD no frequency). This variant has not been reported in the literature in individuals affected with TXNRD2-related conditions. ClinVar contains an entry for this variant (Variation ID: 572124). Algorithms developed to predict the effect of sequence changes on RNA splicing suggest that this variant may disrupt the consensus splice site. In summary, the available evidence is currently insufficient to determine the role of this variant in disease. Therefore, it has been classified as a Variant of Uncertain Significance.

Ambry Genetics
Classification: Uncertain significance for Cardiovascular phenotype. Last evaluated: 2024-12-31. Review status: criteria provided, single submitter. Criteria: Ambry Variant Classification Scheme 2023. Collection method: clinical testing. Allele origin: germline.
Comment: The c.662+1G>A intronic variant results from a G to A substitution one nucleotide after coding exon 8 of the TXNRD2 gene. This nucleotide position is highly conserved in available vertebrate species. In silico splice site analysis predicts that this alteration will weaken the native splice donor site. Alterations that disrupt the canonical splice site are expected to cause aberrant splicing, resulting in an abnormal protein or a transcript that is subject to nonsense-mediated mRNA decay. However, loss of function of TXNRD2 has not been established as a mechanism of disease. The evidence for this gene-disease relationship is limited; therefore, the clinical significance of this alteration is unclear.

Literature cited by the submitters: PubMed 16199547 (cited by Labcorp Genetics (formerly Invitae), Labcorp).